The following is an entry in ClinVar:

NM_000891.3(KCNJ2):c.*1251C>T

Gene: KCNJ2 (potassium inwardly rectifying channel subfamily J member 2; plus strand). Cytogenetic location: 17q24.3.
Variant type: single nucleotide variant.
Coding change: c.*1251C>T on transcript NM_000891.3 (MANE Select); 1251 bases downstream of the stop codon, C replaced by T.
Molecular consequence: 3 prime UTR variant.
Genome position (GRCh38, 1-based): chr17:70,177,574, C>T. VCF-style: chr17-70177574-C-T. GRCh37 (hg19) VCF-style: chr17-68173715-C-T.
Identifiers: ClinVar variation 324853 (VCV000324853.9), dbSNP rs9894661, ClinGen allele CA10640394.
Genomic context (GRCh38, chr17:70,177,574, plus strand): 5'-TGAATTTATTGCCTGGACTGTCAGGACATCACCAGCCCACCTTCACCTTAGGGAAGATGC[C>T]ACACCTGGCCTCCACACTTGCTCTTCTGATCAGTCTGTCTGGATTGAGTCCTACAGTGTC-3'

ClinVar aggregate classification (germline): Benign. Review status: criteria provided, multiple submitters, no conflicts (2 of 4 stars). 5 submissions from 3 submitters: Benign (5). Last evaluated 2021-05-13.

Conditions:
Andersen Tawil syndrome (LQT7). Also called: Potassium-sensitive periodic paralysis, ventricular ectopy, and dysmorphic features; ANDERSEN CARDIODYSRHYTHMIC PERIODIC PARALYSIS; LONG QT SYNDROME 7; PERIODIC PARALYSIS, POTASSIUM-SENSITIVE CARDIODYSRHYTHMIC TYPE; Andersen Syndrome. Identifiers: Orphanet 37553, MedGen C1563715, MONDO:0008222, OMIM 170390.
Atrial fibrillation, familial, 9 (ATFB9). Identifiers: MedGen C3151431, MONDO:0013513, OMIM 613980.
Short QT syndrome type 3. Identifiers: Orphanet 51083, MedGen C1865018, MONDO:0012314, OMIM 609622.

Allele frequency attached by ClinVar (database versions not stated): gnomAD exomes 0.00020; gnomAD 0.06785; TOPMed 0.07263; 1000 Genomes Project 0.07308; 1000 Genomes Project 30x 0.07839.
gnomAD v4.1: 9,571 of 167,226 alleles (5.7%); highest among the groups gnomAD compares: African/African-American, 22%; 1,018 homozygotes.

Submissions (5):

GeneDx
Classification: Benign. Last evaluated: 2021-05-13. Review status: criteria provided, single submitter. Criteria: GeneDx Variant Classification Process June 2021. Collection method: clinical testing. Allele origin: germline. Affected: yes.

Illumina Laboratory Services, Illumina
Classification: Benign for Atrial fibrillation, familial, 9. Last evaluated: 2018-01-12. Review status: criteria provided, single submitter. Criteria: ICSL Variant Classification Criteria 13 December 2019. Collection method: clinical testing. Allele origin: germline.
Comment: This variant was observed in the ICSL laboratory as part of a predisposition screen in an ostensibly healthy population. It had not been previously curated by ICSL or reported in the Human Gene Mutation Database (HGMD: prior to June 1st, 2018), and was therefore a candidate for classification through an automated scoring system. Utilizing variant allele frequency, disease prevalence and penetrance estimates, and inheritance mode, an automated score was calculated to assess if this variant is too frequent to cause the disease. Based on the score and internal cut-off values, a variant classified as benign is not then subjected to further curation. The score for this variant resulted in a classification of benign for this disease.

Illumina Laboratory Services, Illumina
Classification: Benign for Short QT syndrome type 3. Last evaluated: 2018-01-12. Review status: criteria provided, single submitter. Criteria: ICSL Variant Classification Criteria 13 December 2019. Collection method: clinical testing. Allele origin: germline.
Comment: the same text as in the submission from Illumina Laboratory Services, Illumina above.

Illumina Laboratory Services, Illumina
Classification: Benign for Andersen Tawil syndrome. Last evaluated: 2018-01-12. Review status: criteria provided, single submitter. Criteria: ICSL Variant Classification Criteria 13 December 2019. Collection method: clinical testing. Allele origin: germline.
Comment: the same text as in the submission from Illumina Laboratory Services, Illumina above.

Breakthrough Genomics
Classification: Benign. Review status: criteria provided, single submitter. Criteria: ACMG Guidelines, 2015. Collection method: not provided. Allele origin: germline. Inheritance: Autosomal dominant inheritance. Affected: yes.